The following is an entry in ClinVar:

NM_001242896.3(DEPDC5):c.2131G>A (p.Asp711Asn)

Gene: DEPDC5 (DEP domain containing 5, GATOR1 subcomplex subunit; plus strand). Cytogenetic location: 22q12.3.
Variant type: single nucleotide variant.
Coding change: c.2131G>A on transcript NM_001242896.3 (MANE Select); coding-DNA position 2131, G replaced by A.
Protein change: p.Asp711Asn; replaces aspartic acid 711 with asparagine.
Molecular consequence: missense variant. On other transcripts: non-coding transcript variant (5).
Genome position (GRCh38, 1-based): chr22:31,833,941, G>A. VCF-style: chr22-31833941-G-A. GRCh37 (hg19) VCF-style: chr22-32229927-G-A.
Other names: c.1897G>A, p.Asp633Asn (NM_001363854.2, NM_001364319.2, NM_001242897.2); c.2131G>A, p.Asp711Asn (NM_001364318.2, NM_001364320.2, NM_001369903.1 and 3 more transcripts); c.2047G>A, p.Asp683Asn (NM_001369901.1, NM_001369902.1); short protein forms D633N, D683N, D711N.
Identifiers: ClinVar variation 4528301 (VCV004528301.2).
Genomic context (GRCh38, chr22:31,833,941, plus strand): 5'-CTTCTTAAGACAAGCTGTTTTTATCTTTCCATAGGTATGAATCCTAGGACCCAGAATAAG[G>A]ATTCTCTAGAGGACAGTGTTTCTACCTCTCCAGACCCAAGTAAGAGGGGGCAGCTGACTG-3'
Protein context (NP_001229825.1, residues 701-721): AGMNPRTQNK[Asp711Asn]SLEDSVSTSP

ClinVar aggregate classification (germline): Uncertain significance. Review status: criteria provided, multiple submitters, no conflicts (2 of 4 stars). 2 submissions from 2 submitters: Uncertain significance (2). Last evaluated 2025-11-13.

Conditions:
Inborn genetic diseases. Identifiers: MedGen C0950123, MeSH D030342.

Submissions (2):

Ambry Genetics
Classification: Uncertain significance for Inborn genetic diseases. Last evaluated: 2025-11-13. Review status: criteria provided, single submitter. Criteria: Ambry Variant Classification Scheme 2023. Collection method: clinical testing. Allele origin: germline.

GeneDx
Classification: Uncertain significance. Last evaluated: 2025-04-26. Review status: criteria provided, single submitter. Criteria: GeneDx Variant Classification Process June 2021. Collection method: clinical testing. Allele origin: germline. Affected: yes.
Comment: Not observed at significant frequency in large population cohorts (gnomAD); In silico analysis indicates that this missense variant does not alter protein structure/function; Has not been previously published as pathogenic or benign to our knowledge